The following is an entry in ClinVar:

NM_002474.3(MYH11):c.115C>G (p.Pro39Ala)

Gene: MYH11 (myosin heavy chain 11; minus strand). Cytogenetic location: 16p13.11.
Variant type: single nucleotide variant.
Coding change: c.115C>G on transcript NM_002474.3 (MANE Select); coding-DNA position 115, C replaced by G.
Protein change: p.Pro39Ala; replaces proline 39 with alanine.
Molecular consequence: missense variant.
Genome position (GRCh38, 1-based): chr16:15,838,138, G>C on the plus strand (C>G on the coding strand, the complement: MYH11 is on the minus strand). VCF-style: chr16-15838138-G-C. GRCh37 (hg19) VCF-style: chr16-15931995-G-C.
Other names: c.115C>G, p.Pro39Ala (NM_001040113.2, NM_001040114.2, NM_022844.3); short protein forms P39A.
Identifiers: ClinVar variation 1946818 (VCV001946818.8), dbSNP rs761131497, ClinGen allele CA7923117.

ClinVar aggregate classification (germline): Uncertain significance. Review status: criteria provided, multiple submitters, no conflicts (2 of 4 stars). 3 submissions from 3 submitters: Uncertain significance (3). Last evaluated 2025-03-24.

Conditions:
Familial thoracic aortic aneurysm and aortic dissection (TAAD). Also called: Thoracic aortic aneurysms and dissections. Identifiers: Orphanet 91387, MedGen C4707243, MONDO:0019625.
Aortic aneurysm, familial thoracic 4 (AAT4). Also called: AORTIC ANEURYSM/AORTIC DISSECTION AND PATENT DUCTUS ARTERIOSUS. Identifiers: MedGen C1851504, MONDO:0007568, OMIM 132900.

gnomAD v4.1: 2 of 1,614,034 alleles (0.00012%); highest among the groups gnomAD compares: Admixed American, 0.0033%; no homozygotes.

Submissions (3):

Color Diagnostics, LLC DBA Color Health
Classification: Uncertain significance for Familial thoracic aortic aneurysm and aortic dissection. Last evaluated: 2025-03-24. Review status: criteria provided, single submitter. Criteria: ACMG Guidelines, 2015. Collection method: clinical testing. Allele origin: germline.
Comment: This missense variant replaces proline with alanine at codon 39 of the MYH11 protein. Computational prediction is inconclusive regarding the impact of this variant on protein structure and function (internally defined REVEL score threshold 0.5 < inconclusive < 0.7, PMID: 27666373). To our knowledge, functional studies have not been reported for this variant. This variant has not been reported in individuals affected with MYH11-related disorders in the literature. This variant has been identified in 2/250726 chromosomes in the general population by the Genome Aggregation Database (gnomAD). The available evidence is insufficient to determine the role of this variant in disease conclusively. Therefore, this variant is classified as a Variant of Uncertain Significance.

Ambry Genetics
Classification: Uncertain significance for Familial thoracic aortic aneurysm and aortic dissection. Last evaluated: 2022-11-04. Review status: criteria provided, single submitter. Criteria: Ambry Variant Classification Scheme 2023. Collection method: clinical testing. Allele origin: germline.
Comment: The p.P39A variant (also known as c.115C>G), located in coding exon 1 of the MYH11 gene, results from a C to G substitution at nucleotide position 115. The proline at codon 39 is replaced by alanine, an amino acid with highly similar properties. This amino acid position is conserved. In addition, the in silico prediction for this alteration is inconclusive. Since supporting evidence is limited at this time, the clinical significance of this alteration remains unclear.

Labcorp Genetics (formerly Invitae), Labcorp
Classification: Uncertain significance for Aortic aneurysm, familial thoracic 4. Last evaluated: 2022-10-26. Review status: criteria provided, single submitter. Criteria: Invitae Variant Classification Sherloc (09022015). Collection method: clinical testing. Allele origin: germline.
Comment: In summary, the available evidence is currently insufficient to determine the role of this variant in disease. Therefore, it has been classified as a Variant of Uncertain Significance. Advanced modeling of protein sequence and biophysical properties (such as structural, functional, and spatial information, amino acid conservation, physicochemical variation, residue mobility, and thermodynamic stability) performed at Invitae indicates that this missense variant is not expected to disrupt MYH11 protein function. This variant has not been reported in the literature in individuals affected with MYH11-related conditions. This variant is present in population databases (rs761131497, gnomAD 0.009%). This sequence change replaces proline, which is neutral and non-polar, with alanine, which is neutral and non-polar, at codon 39 of the MYH11 protein (p.Pro39Ala).